The following is an entry in ClinVar:

ClinVar aggregate classification (germline): Benign. Review status: criteria provided, multiple submitters, no conflicts (2 of 4 stars). 3 submissions from 3 submitters: Benign (3). Last evaluated 2024-02-01.

Allele frequency attached by ClinVar (database versions not stated): 1000 Genomes Project 0.00339; 1000 Genomes Project 30x 0.00375; TOPMed 0.00594; gnomAD 0.00646 and 0.00680; gnomAD exomes 0.00654 and 0.01025; ExAC 0.00683; ESP Exome Variant Server 0.00807.
gnomAD v4.1: 15,742 of 1,614,098 alleles (0.98%); highest among the groups gnomAD compares: Non-Finnish European, 1.2%; 93 homozygotes.

Submissions (3):

CeGaT Center for Human Genetics Tuebingen
Classification: Benign. Last evaluated: 2024-02-01. Review status: criteria provided, single submitter. Criteria: CeGaT Center For Human Genetics Tuebingen Variant Classification Criteria Version 2. Collection method: clinical testing. Allele origin: germline. Affected: yes. Observed: 2 variant alleles.
Comment: IGF2BP1: BS1, BS2

Labcorp Genetics (formerly Invitae), Labcorp
Classification: Benign. Last evaluated: 2018-05-31. Review status: criteria provided, single submitter. Criteria: Invitae Variant Classification Sherloc (09022015). Collection method: clinical testing. Allele origin: germline.

Breakthrough Genomics
Classification: Benign. Review status: criteria provided, single submitter. Criteria: ACMG Guidelines, 2015. Collection method: not provided. Allele origin: germline. Inheritance: Unknown mechanism. Affected: yes.

NM_006546.4(IGF2BP1):c.795T>A (p.His265Gln)

Gene: IGF2BP1 (insulin like growth factor 2 mRNA binding protein 1; plus strand). Cytogenetic location: 17q21.32.
Variant type: single nucleotide variant.
Coding change: c.795T>A on transcript NM_006546.4 (MANE Select); coding-DNA position 795, T replaced by A.
Protein change: p.His265Gln; replaces histidine 265 with glutamine.
Molecular consequence: missense variant. On other transcripts: intron variant (1).
Genome position (GRCh38, 1-based): chr17:49,040,068, T>A. VCF-style: chr17-49040068-T-A. GRCh37 (hg19) VCF-style: chr17-47117430-T-A.
Other names: c.402-1310T>A (NM_001160423.2); short protein forms H265Q.
Identifiers: ClinVar variation 720405 (VCV000720405.27), dbSNP rs61751193, ClinGen allele CA8636319.